The following is an entry in ClinVar:

NM_022124.6(CDH23):c.8054_8055del (p.Ala2685fs)

Genes: CDH23 (cadherin related 23; plus strand), LOC111982869 (Sharpr-MPRA regulatory region 2121; plus strand). Cytogenetic location: 10q22.1.
Variant type: Deletion.
Coding change: c.8054_8055del on transcript NM_022124.6 (MANE Select); coding-DNA positions 8054 to 8055, 2 bases deleted (CG; older notation c.8054_8055delCG).
Protein change: p.Ala2685fs; shifts the reading frame from alanine 2685.
Molecular consequence: frameshift variant.
Genome position (GRCh38, 1-based): chr10:71,805,987-71,805,988, CG deleted; deleting any 2 consecutive bases within chr10:71,805,986-71,805,988 gives the same sequence; the c. name uses the placement nearest the transcript's 3' end. VCF-style (leftmost placement, unchanged base first): chr10-71805985-GGC-G. GRCh37 (hg19) VCF-style: chr10-73565742-GGC-G.
Other names: c.1334_1335del, p.Ala445fs (NM_001171933.1, NM_001171934.1); short protein forms A2685fs, A445fs.
Identifiers: ClinVar variation 1450996 (VCV001450996.9), dbSNP rs2132984089, ClinGen allele CA2573145274.

ClinVar aggregate classification (germline): Pathogenic. Review status: criteria provided, multiple submitters, no conflicts (2 of 4 stars). 2 submissions from 2 submitters: Pathogenic (2). Last evaluated 2024-01-26.

Conditions:
Pituitary adenoma 5, multiple types. Identifiers: MedGen C4539685, MONDO:0054601, OMIM 617540.

Submissions (2):

Baylor Genetics
Classification: Pathogenic for Pituitary adenoma 5, multiple types. Last evaluated: 2024-01-26. Review status: criteria provided, single submitter. Criteria: ACMG Guidelines, 2015. Collection method: clinical testing. Allele origin: unknown.

Labcorp Genetics (formerly Invitae), Labcorp
Classification: Pathogenic. Last evaluated: 2021-01-07. Review status: criteria provided, single submitter. Criteria: Invitae Variant Classification Sherloc (09022015). Collection method: clinical testing. Allele origin: germline.
Comment: This sequence change creates a premature translational stop signal (p.Ala2685Glyfs*32) in the CDH23 gene. It is expected to result in an absent or disrupted protein product. Loss-of-function variants in CDH23 are known to be pathogenic (PMID: 11138009, 21940737). This variant is not present in population databases (ExAC no frequency). This variant has been observed in individual(s) with Usher syndrome (PMID: 21436283). For these reasons, this variant has been classified as Pathogenic.

Literature cited by the submitters: PubMed 11138009 (cited by Labcorp Genetics (formerly Invitae), Labcorp); PubMed 21940737 (cited by Labcorp Genetics (formerly Invitae), Labcorp); PubMed 21436283 (cited by Labcorp Genetics (formerly Invitae), Labcorp).